The following is an entry in ClinVar:

NM_004260.4(RECQL4):c.569G>C (p.Trp190Ser)

Gene: RECQL4 (RecQ like helicase 4; minus strand). Cytogenetic location: 8q24.3.
Variant type: single nucleotide variant.
Coding change: c.569G>C on transcript NM_004260.4 (MANE Select); coding-DNA position 569, G replaced by C.
Protein change: p.Trp190Ser; replaces tryptophan 190 with serine.
Molecular consequence: missense variant.
Genome position (GRCh38, 1-based): chr8:144,516,550, C>G on the plus strand (G>C on the coding strand, the complement: RECQL4 is on the minus strand). VCF-style: chr8-144516550-C-G. GRCh37 (hg19) VCF-style: chr8-145741934-C-G.
Other names: c.569G>C (NM_004260.3); short protein forms W190S.
Identifiers: ClinVar variation 1057175 (VCV001057175.6), dbSNP rs2130726288, ClinGen allele CA372690998.
Genomic context (GRCh38, chr8:144,516,550, plus strand): 5'-GGCCTGCAGGCTTTGGGGGCCCCCAGAAAATCTGGGACCTCACTGTGACATCGCTGTAAC[C>G]AGCCAGGATCTAGGGAGCCCAGCCGCTGGCTCAGGGATGCCTGCAGATGCTGGAGCCGGC-3'
Protein context (NP_004251.4, residues 180-200): SQRLGSLDPG[Trp190Ser]LQRCHSEVPD

ClinVar aggregate classification (germline): Uncertain significance. Review status: criteria provided, multiple submitters, no conflicts (2 of 4 stars). 2 submissions from 2 submitters: Uncertain significance (2). Last evaluated 2026-01-10.

Conditions:
Inborn genetic diseases. Identifiers: MedGen C0950123, MeSH D030342.
Baller-Gerold syndrome (BGS). Also called: CRANIOSYNOSTOSIS WITH RADIAL DEFECTS. Identifiers: Orphanet 1225, MedGen C0265308, MONDO:0009039, OMIM 218600.

gnomAD v4.1: 1 of 1,609,956 alleles (0.000062%); no homozygotes.

Submissions (2):

Ambry Genetics
Classification: Uncertain significance for Inborn genetic diseases. Last evaluated: 2026-01-10. Review status: criteria provided, single submitter. Criteria: Ambry Variant Classification Scheme 2023. Collection method: clinical testing. Allele origin: germline.
Comment: The p.W190S variant (also known as c.569G>C), located in coding exon 5 of the RECQL4 gene, results from a G to C substitution at nucleotide position 569. The tryptophan at codon 190 is replaced by serine, an amino acid with highly dissimilar properties. This amino acid position is conserved. In addition, the in silico prediction for this alteration is inconclusive. Based on the available evidence, the clinical significance of this variant remains unclear.

Labcorp Genetics (formerly Invitae), Labcorp
Classification: Uncertain significance for Baller-Gerold syndrome. Last evaluated: 2023-07-17. Review status: criteria provided, single submitter. Criteria: Invitae Variant Classification Sherloc (09022015). Collection method: clinical testing. Allele origin: germline.
Comment: In summary, the available evidence is currently insufficient to determine the role of this variant in disease. Therefore, it has been classified as a Variant of Uncertain Significance. Advanced modeling of protein sequence and biophysical properties (such as structural, functional, and spatial information, amino acid conservation, physicochemical variation, residue mobility, and thermodynamic stability) has been performed at Invitae for this missense variant, however the output from this modeling did not meet the statistical confidence thresholds required to predict the impact of this variant on RECQL4 protein function. ClinVar contains an entry for this variant (Variation ID: 1057175). This variant has not been reported in the literature in individuals affected with RECQL4-related conditions. This variant is not present in population databases (gnomAD no frequency). This sequence change replaces tryptophan, which is neutral and slightly polar, with serine, which is neutral and polar, at codon 190 of the RECQL4 protein (p.Trp190Ser).